The following is an entry in ClinVar:

NM_001048174.2(MUTYH):c.849A>T (p.Arg283Ser)

Gene: MUTYH (mutY DNA glycosylase; minus strand). Cytogenetic location: 1p34.1.
Variant type: single nucleotide variant.
Coding change: c.849A>T on transcript NM_001048174.2 (MANE Select); coding-DNA position 849, A replaced by T.
Protein change: p.Arg283Ser; replaces arginine 283 with serine.
Molecular consequence: missense variant. On other transcripts: non-coding transcript variant (2).
Genome position (GRCh38, 1-based): chr1:45,332,166, T>A on the plus strand (A>T on the coding strand, the complement: MUTYH is on the minus strand). VCF-style: chr1-45332166-T-A. GRCh37 (hg19) VCF-style: chr1-45797838-T-A.
Other names: c.849A>T, p.Arg283Ser (NM_001048171.2, NM_001048173.2, NM_001293195.2); c.852A>T, p.Arg284Ser (NM_001048172.2); c.933A>T, p.Arg311Ser (NM_001128425.2); c.894A>T, p.Arg298Ser (NM_001293190.2); c.882A>T, p.Arg294Ser (NM_001293191.2); c.573A>T, p.Arg191Ser (NM_001293192.2, NM_001293196.2); c.504A>T, p.Arg168Ser (NM_001350650.2, NM_001350651.2); c.924A>T, p.Arg308Ser (NM_012222.3); short protein forms R311S, R298S, R191S, R283S, R284S, R308S, R168S, R294S.
Identifiers: ClinVar variation 232151 (VCV000232151.25), dbSNP rs369973885, ClinGen allele CA059674.

ClinVar aggregate classification (germline): Uncertain significance. Review status: criteria provided, multiple submitters, no conflicts (2 of 4 stars). 6 submissions from 6 submitters: Uncertain significance (6). Last evaluated 2025-10-01.

Conditions:
Gastric cancer. Also called: Stomach cancer; Malignant tumor of stomach. Identifiers: MedGen C0024623, MeSH D013274, MONDO:0001056, OMIM 613659, HP:0012126.
Familial adenomatous polyposis 2. Also called: MYH-associated polyposis; MUTYH Polyposis; COLORECTAL ADENOMATOUS POLYPOSIS, AUTOSOMAL RECESSIVE; ADENOMAS, MULTIPLE COLORECTAL, AUTOSOMAL RECESSIVE; FAP type 2; MUTYH-associated polyposis. Identifiers: Orphanet 220460, Orphanet 247798, MedGen C3272841, MONDO:0012041, OMIM 608456.
Hereditary cancer-predisposing syndrome. Also called: Neoplastic Syndromes, Hereditary; Hereditary neoplastic syndrome; Hereditary Cancer Syndrome; Tumor predisposition. Identifiers: Orphanet 140162, MedGen C0027672, MeSH D009386, MONDO:0015356.

Allele frequency attached by ClinVar (database versions not stated): gnomAD exomes below 0.00001 and 0.00001; ExAC 0.00002; TOPMed 0.00002; gnomAD 0.00006; ESP Exome Variant Server 0.00008.
gnomAD v4.1: 6 of 1,614,034 alleles (0.00037%); highest among the groups gnomAD compares: African/African-American, 0.0067%; no homozygotes.

Submissions (6):

Labcorp Genetics (formerly Invitae), Labcorp
Classification: Uncertain significance for Familial adenomatous polyposis 2. Last evaluated: 2025-10-01. Review status: criteria provided, single submitter. Criteria: Invitae Variant Classification Sherloc (09022015). Collection method: clinical testing. Allele origin: germline.
Comment: This sequence change replaces arginine, which is basic and polar, with serine, which is neutral and polar, at codon 311 of the MUTYH protein (p.Arg311Ser). This variant is present in population databases (rs369973885, gnomAD 0.02%). This variant has not been reported in the literature in individuals affected with MUTYH-related conditions. ClinVar contains an entry for this variant (Variation ID: 232151). An algorithm developed to predict the effect of missense changes on protein structure and function (PolyPhen-2) suggests that this variant is likely to be tolerated. In summary, the available evidence is currently insufficient to determine the role of this variant in disease. Therefore, it has been classified as a Variant of Uncertain Significance.

GeneDx
Classification: Uncertain significance. Last evaluated: 2025-06-10. Review status: criteria provided, single submitter. Criteria: GeneDx Variant Classification Process June 2021. Collection method: clinical testing. Allele origin: germline. Affected: yes.
Comment: In silico analysis suggests that this missense variant does not alter protein structure/function; Has not been previously published as pathogenic or benign to our knowledge; This variant is associated with the following publications: (PMID: 11092888, 11160897)

Ambry Genetics
Classification: Uncertain significance for Hereditary cancer-predisposing syndrome. Last evaluated: 2025-03-07. Review status: criteria provided, single submitter. Criteria: Ambry Variant Classification Scheme 2023. Collection method: clinical testing. Allele origin: germline.
Comment: The p.R311S variant (also known as c.933A>T), located in coding exon 10 of the MUTYH gene, results from an A to T substitution at nucleotide position 933. The amino acid change results in arginine to serine at codon 311, an amino acid with dissimilar properties. However, this change occurs in the last base pair of coding exon 10, which makes it likely to have some effect on normal mRNA splicing. RNA studies have demonstrated that this alteration does not result in abnormal splicing in the set of samples tested (Ambry internal data). This variant has been identified in conjunction with other MUTYH variant(s) in individual(s) with features consistent with MUTYH-associated polyposis (Ambry internal data). This amino acid position is not well conserved in available vertebrate species. In addition, the in silico prediction for this alteration is inconclusive. Based on the available evidence, the clinical significance of this alteration remains unclear.

All of Us Research Program, National Institutes of Health
Classification: Uncertain significance for Familial adenomatous polyposis 2. Last evaluated: 2024-01-08. Review status: criteria provided, single submitter. Criteria: ACMG Guidelines, 2015. Collection method: clinical testing. Allele origin: germline. Inheritance: Autosomal recessive inheritance. Observed: 1 variant allele, 1 heterozygote.
Comment: This missense variant replaces arginine with serine at codon 311 of the MUTYH protein. Computational prediction suggests that this variant may not impact protein structure and function (internally defined REVEL score threshold <= 0.5, PMID: 27666373). To our knowledge, functional studies have not been reported for this variant. This variant has not been reported in individuals affected with MUTYH-related disorders in the literature. This variant has been identified in 5/282754 chromosomes in the general population by the Genome Aggregation Database (gnomAD). The available evidence is insufficient to determine the role of this variant in disease conclusively. Therefore, this variant is classified as a Variant of Uncertain Significance.

This study involves interpretation of variants in research participants for the purpose of population health screening. Participant phenotype was not available at the time of variant classification. Additional details can be found in publication PMID: 35346344, PMCID: PMC8962531

Color Diagnostics, LLC DBA Color Health
Classification: Uncertain significance for Hereditary cancer-predisposing syndrome. Last evaluated: 2022-12-07. Review status: criteria provided, single submitter. Criteria: ACMG Guidelines, 2015. Collection method: clinical testing. Allele origin: germline.
Comment: This missense variant replaces arginine with serine at codon 311 of the MUTYH protein. Computational prediction suggests that this variant may not impact protein structure and function (internally defined REVEL score threshold <= 0.5, PMID: 27666373). To our knowledge, functional studies have not been reported for this variant. This variant has not been reported in individuals affected with MUTYH-related disorders in the literature. This variant has been identified in 5/282754 chromosomes in the general population by the Genome Aggregation Database (gnomAD). The available evidence is insufficient to determine the role of this variant in disease conclusively. Therefore, this variant is classified as a Variant of Uncertain Significance.

Fulgent Genetics
Classification: Uncertain significance for Familial adenomatous polyposis 2; Gastric cancer. Last evaluated: 2021-07-22. Review status: criteria provided, single submitter. Criteria: ACMG Guidelines, 2015. Collection method: clinical testing. Allele origin: unknown.